The following is an entry in ClinVar:

NM_000264.5(PTCH1):c.83C>T (p.Ala28Val)

Genes: PTCH1 (patched 1; minus strand), LOC130002133 (ATAC-STARR-seq lymphoblastoid silent region 20071; plus strand). Cytogenetic location: 9q22.32.
Variant type: single nucleotide variant.
Coding change: c.83C>T on transcript NM_000264.5 (MANE Select); coding-DNA position 83, C replaced by T.
Protein change: p.Ala28Val; replaces alanine 28 with valine.
Molecular consequence: missense variant. On other transcripts: non-coding transcript variant (1), intron variant (3).
Genome position (GRCh38, 1-based): chr9:95,508,279, G>A on the plus strand (C>T on the coding strand, the complement: PTCH1 is on the minus strand). VCF-style: chr9-95508279-G-A. GRCh37 (hg19) VCF-style: chr9-98270561-G-A.
Other names: c.83C>T, p.Ala28Val (NM_001354918.2); c.199-1680C>T (NM_001083603.3); c.4-1680C>T (NM_001083602.3, NM_001354919.2); c.83C>T (NM_000264.3); short protein forms A28V.
Identifiers: ClinVar variation 1061905 (VCV001061905.10), dbSNP rs1220641430, ClinGen allele CA374121456.

ClinVar aggregate classification (germline): Conflicting classifications of pathogenicity. Review status: criteria provided, conflicting classifications (1 of 4 stars). 2 submissions from 2 submitters: Uncertain significance (1); Likely benign (1). Last evaluated 2024-07-03.

Conditions:
Gorlin syndrome. Also called: Basal cell nevus syndrome; Nevoid Basal Cell Carcinoma Syndrome. Identifiers: Orphanet 377, MedGen C0004779, MONDO:0007187.
Hereditary cancer-predisposing syndrome. Also called: Tumor predisposition; Neoplastic Syndromes, Hereditary; Hereditary Cancer Syndrome; Hereditary neoplastic syndrome. Identifiers: Orphanet 140162, MedGen C0027672, MeSH D009386, MONDO:0015356.

Allele frequency attached by ClinVar (database versions not stated): gnomAD exomes below 0.00001; TOPMed below 0.00001.
gnomAD v4.1: 3 of 1,559,970 alleles (0.00019%); highest among the groups gnomAD compares: Non-Finnish European, 0.00026%; no homozygotes.

Submissions (2):

Labcorp Genetics (formerly Invitae), Labcorp
Classification: Uncertain significance for Gorlin syndrome. Last evaluated: 2024-07-03. Review status: criteria provided, single submitter. Criteria: Invitae Variant Classification Sherloc (09022015). Collection method: clinical testing. Allele origin: germline.
Comment: This sequence change replaces alanine, which is neutral and non-polar, with valine, which is neutral and non-polar, at codon 28 of the PTCH1 protein (p.Ala28Val). This variant is not present in population databases (gnomAD no frequency). This variant has not been reported in the literature in individuals affected with PTCH1-related conditions. ClinVar contains an entry for this variant (Variation ID: 1061905). Advanced modeling of protein sequence and biophysical properties (such as structural, functional, and spatial information, amino acid conservation, physicochemical variation, residue mobility, and thermodynamic stability) performed at Invitae indicates that this missense variant is not expected to disrupt PTCH1 protein function with a negative predictive value of 95%. In summary, the available evidence is currently insufficient to determine the role of this variant in disease. Therefore, it has been classified as a Variant of Uncertain Significance.

Ambry Genetics
Classification: Likely benign for Hereditary cancer-predisposing syndrome. Last evaluated: 2024-07-02. Review status: criteria provided, single submitter. Criteria: Ambry Variant Classification Scheme 2023. Collection method: clinical testing. Allele origin: germline.